The following is an entry in ClinVar:

NM_020320.5(RARS2):c.1080G>C (p.Met360Ile)

Gene: RARS2 (arginyl-tRNA synthetase 2, mitochondrial; minus strand). Cytogenetic location: 6q15.
Variant type: single nucleotide variant.
Coding change: c.1080G>C on transcript NM_020320.5 (MANE Select); coding-DNA position 1080, G replaced by C.
Protein change: p.Met360Ile; replaces methionine 360 with isoleucine.
Molecular consequence: missense variant. On other transcripts: non-coding transcript variant (23).
Genome position (GRCh38, 1-based): chr6:87,520,212, C>G on the plus strand (G>C on the coding strand, the complement: RARS2 is on the minus strand). VCF-style: chr6-87520212-C-G. GRCh37 (hg19) VCF-style: chr6-88229930-C-G.
Other names: c.555G>C, p.Met185Ile (NM_001318785.2, NM_001350506.2, NM_001350507.2 and 4 more transcripts); c.1080G>C, p.Met360Ile (NM_001350505.2); c.1080G>C (NM_020320.4); short protein forms M360I, M185I.
Identifiers: ClinVar variation 1361505 (VCV001361505.9), dbSNP rs2128009799, ClinGen allele CA364924466.

ClinVar aggregate classification (germline): Uncertain significance. Review status: criteria provided, single submitter (1 of 4 stars). 2 submissions from 2 submitters: Uncertain significance (1). 1 of the submissions does not count toward it. Last evaluated 2021-06-16.

Conditions:
Pontocerebellar hypoplasia type 6 (PCH6). Identifiers: Orphanet 166073, MedGen C1969084, MONDO:0012683, OMIM 611523.

Submissions (2):

Labcorp Genetics (formerly Invitae), Labcorp
Classification: Uncertain significance. Last evaluated: 2021-06-16. Review status: criteria provided, single submitter. Criteria: Invitae Variant Classification Sherloc (09022015). Collection method: clinical testing. Allele origin: germline.
Comment: This sequence change replaces methionine with isoleucine at codon 360 of the RARS2 protein (p.Met360Ile). The methionine residue is weakly conserved and there is a small physicochemical difference between methionine and isoleucine. This variant is not present in population databases (ExAC no frequency). This variant has not been reported in the literature in individuals with RARS2-related conditions. Advanced modeling of protein sequence and biophysical properties (such as structural, functional, and spatial information, amino acid conservation, physicochemical variation, residue mobility, and thermodynamic stability) performed at Invitae indicates that this missense variant is not expected to disrupt RARS2 protein function. In summary, the available evidence is currently insufficient to determine the role of this variant in disease. Therefore, it has been classified as a Variant of Uncertain Significance.

Natera, Inc.
Classification: Uncertain significance for Pontocerebellar hypoplasia, type 6. Last evaluated: 2025-01-08. Review status: no assertion criteria provided. Collection method: clinical testing. Allele origin: germline. Not counted in ClinVar's aggregate classification.